The following is an entry in ClinVar:

NM_000059.4(BRCA2):c.7762_7764delinsTT (p.Ile2588fs)

Gene: BRCA2 (BRCA2 DNA repair associated; plus strand). Cytogenetic location: 13q13.1.
Variant type: Indel.
Coding change: c.7762_7764delinsTT on transcript NM_000059.4 (MANE Select); coding-DNA positions 7762 to 7764, ATA replaced by TT.
Protein change: p.Ile2588fs; shifts the reading frame from isoleucine 2588.
Genome position (GRCh38, 1-based): chr13:32,357,886-32,357,888, ATA replaced by TT. VCF-style: chr13-32357886-ATA-TT. GRCh37 (hg19) VCF-style: chr13-32932023-ATA-TT.
Other names: 7990_7992delATAinsTT; p.Ile2588Phefs*60; c.7762_7764delATAinsTT (NM_000059.3); short protein forms I2588fs.
Identifiers: ClinVar variation 233493 (VCV000233493.33), dbSNP rs483353072, ClinGen allele CA090898.

ClinVar aggregate classification (germline): Pathogenic. Review status: reviewed by expert panel (3 of 4 stars). 17 submissions from 17 submitters: Pathogenic (1). 16 of the submissions do not count toward it. Last evaluated 2016-04-22.

Conditions:
BRCA2-related disorder. Also called: BRCA2-related condition; BRCA2-related disorders. Identifiers: MedGen CN239275.
Hereditary breast ovarian cancer syndrome. Also called: Hereditary breast and/or ovarian cancer syndrome; Hereditary breast and ovarian cancer; Hereditary breast and ovarian cancer syndrome (HBOC); Breast and ovarian cancer; BRCA1- and BRCA2-Associated Hereditary Breast and Ovarian Cancer; Hereditary breast and ovarian cancer syndrome. Identifiers: Orphanet 145, MedGen C0677776, MeSH D061325, MONDO:0003582. Disease mechanism: loss of function.
Familial cancer of breast. Also called: Hereditary breast cancer; BREAST CANCER, FAMILIAL; hereditary breast carcinoma. Identifiers: Orphanet 227535, MedGen C0346153, MONDO:0016419, OMIM 114480. Disease mechanism: loss of function.
Malignant tumor of breast. Also called: Malignant breast neoplasm; Cancer breast. Identifiers: MedGen C0006142, MONDO:0007254. Disease mechanism: loss of function.
Breast-ovarian cancer, familial, susceptibility to, 2 (BROVCA2). Also called: BRCA2 Hereditary Breast and Ovarian Cancer. Identifiers: Orphanet 145, MedGen C2675520, MONDO:0012933, OMIM 612555. Disease mechanism: loss of function.
Inherited breast cancer and ovarian cancer.
Hereditary cancer-predisposing syndrome. Also called: Hereditary neoplastic syndrome; Tumor predisposition; Neoplastic Syndromes, Hereditary; Hereditary Cancer Syndrome. Identifiers: Orphanet 140162, MedGen C0027672, MeSH D009386, MONDO:0015356.

Submissions 1 to 10 of 17:

Evidence-based Network for the Interpretation of Germline Mutant Alleles (ENIGMA)
Classification: Pathogenic for Breast-ovarian cancer, familial, susceptibility to, 2. Last evaluated: 2016-04-22. Review status: reviewed by expert panel. Criteria: ENIGMA BRCA1/2 Classification Criteria (2015). Collection method: curation. Allele origin: germline.
Comment: Variant allele predicted to encode a truncated non-functional protein.

GeneDx
Classification: Pathogenic. Last evaluated: 2026-09-30. Review status: criteria provided, single submitter. Criteria: GeneDx Variant Classification Process June 2021. Collection method: clinical testing. Allele origin: germline. Not counted in ClinVar's aggregate classification.
Comment: Frameshift variant predicted to result in protein truncation or nonsense mediated decay in a gene for which loss of function is a known mechanism of disease; Truncating variants in this gene are considered pathogenic by a well-established clinical consortium and/or database; Not observed at significant frequency in large population cohorts (gnomAD); Also known as 7990_7992delinsTT; 7990_7992delATAinsTT; 7990del3ins2; This variant is associated with the following publications: (PMID: 25685387, 27181684, 12960223, 20104584, 24307375, 23242139, 22706548, 18703817, 15131399, 26295337, 30274973, 31447099, 12228710)

Genetics Laboratory, Great Ormond Street Hospital NHS Foundation Trust, North Thames Genomic Laboratory Hub
Classification: Pathogenic for Inherited breast cancer and ovarian cancer. Last evaluated: 2025-12-22. Review status: criteria provided, single submitter. Criteria: CanVIG BRCA Gene Specific V1.22. Collection method: clinical testing. Allele origin: germline. Affected: yes. Not counted in ClinVar's aggregate classification.
Comment: PM2_moderate, PVS1_very-strong, PM5_strong

Color Diagnostics, LLC DBA Color Health
Classification: Pathogenic for Hereditary cancer-predisposing syndrome. Last evaluated: 2025-02-10. Review status: criteria provided, single submitter. Criteria: ACMG Guidelines, 2015. Collection method: clinical testing. Allele origin: germline. Not counted in ClinVar's aggregate classification.
Comment: This variant deletes 3 nucleotides and inserts 2 nucleotides in exon 16 of the BRCA2 gene, creating a frameshift and premature translation stop signal. This variant is also known as 7990delATAinsTT or 7990del3ins2 in the literature. This variant is expected to result in an absent or non-functional protein product. This variant has been reported in five individuals affected with pancreatic, breast, or ovarian cancer (PMID: 18824701, 20104584, 24307375, 30274973). This variant also has been reported in a breast cancer case-control meta-analysis in 1/60466 cases and absent in 53461 unaffected individuals (PMID: 33471991; Leiden Open Variation Database DB-ID BRCA2_001010). A multifactorial analysis has reported a likelihood ratio for pathogenicity based on personal and family history of 0.979 from log(LR)=-0.009183557 for one carrier (PMID: 31853058). This variant has not been identified in the general population by the Genome Aggregation Database (gnomAD). Loss of BRCA2 function is a known mechanism of disease. Based on the available evidence, this variant is classified as Pathogenic.

Women's Health and Genetics/Laboratory Corporation of America, LabCorp
Classification: Pathogenic for Hereditary breast ovarian cancer syndrome. Last evaluated: 2024-12-10. Review status: criteria provided, single submitter. Criteria: LabCorp Variant Classification Summary - May 2015. Collection method: clinical testing. Allele origin: germline. Not counted in ClinVar's aggregate classification.
Comment: Variant summary: BRCA2 c.7762_7764delinsTT (p.Ile2588PhefsX60) results in a premature termination codon, predicted to cause a truncation of the encoded protein or absence of the protein due to nonsense mediated decay, which are commonly known mechanisms for disease. The variant was absent in 246218 control chromosomes. c.7762_7764delinsTT has been reported in the literature in multiple individuals affected with clinical features of Hereditary Breast and Ovarian Cancer (Evans_2003, Lai_2015, Watson_2014, Borg_2010, Spearman_2008, Palma_2008). The following publications have been ascertained in the context of this evaluation (PMID: 20104584, 12960223, 25685387, 15131399, 18703817, 18824701, 24307375). ClinVar contains an entry for this variant (Variation ID: 233493). Based on the evidence outlined above, the variant was classified as pathogenic.

Quest Diagnostics Nichols Institute San Juan Capistrano
Classification: Pathogenic. Last evaluated: 2024-11-25. Review status: criteria provided, single submitter. Criteria: Quest Diagnostics criteria. Collection method: clinical testing. Allele origin: unknown. Not counted in ClinVar's aggregate classification.
Comment: The BRCA2 c.7762_7764delinsTT (p.Ile2588Phefs*60) variant (also known as 7762_7764delATAinsTT, 7990del3ins2, and 7990delATAinsTT) alters the translational reading frame of the BRCA2 mRNA and causes the premature termination of BRCA2 protein synthesis. In the published literature, this variant has been reported in individuals and families with an increased risk of or with a diagnosis of hereditary breast and/or ovarian cancer (PMIDs: 12960223 (2003), 15131399 (2004), 18703817 (2008), 20104584 (2010), 29446198 (2018), 33471991 (2021) see also LOVD) and pancreatic cancer (PMID: 22706548 (2012), 30274973 (2018)).This variant has not been reported in large, multi-ethnic general populations (Genome Aggregation Database). Based on the available information, this variant is classified as pathogenic.

Molecular Genetics, Royal Melbourne Hospital
Classification: Pathogenic for Hereditary breast ovarian cancer syndrome. Last evaluated: 2024-08-05. Review status: criteria provided, single submitter. Criteria: ACMG Guidelines, 2015. Collection method: clinical testing. Allele origin: germline. Inheritance: Autosomal dominant inheritance. Not counted in ClinVar's aggregate classification.
Comment: This complex sequence change in BRCA2 is a frameshift variant resulting in a deletion of three nucleotides and insertion of two, predicted to create a premature stop codon, p.(Ile2588Phefs*60), in biologically relevant exon 16/27 leading to nonsense-mediated decay in a gene in which loss-of-function is an established disease mechanism (PMID: 20301425). Other truncating pathogenic variants have been reported across exon 16 (ClinVar). The highest population minor allele frequency in the population database gnomAD v4.1 is 0.0008% (9/1,179,996 alleles) in the European (non-Finnish) population. This variant has been reported in multiple individuals with hereditary breast, ovarian, prostate and pancreatic cancer (PMID: 12960223, 25685387, 24307375, 20104584, 22706548, 36556183, 30883245). Based on the classification scheme RMH Modified ACMG/AMP Guidelines v1.7.0, this variant is classified as PATHOGENIC. Following criteria are met: PVS1, PM5_Strong.

Blueprint Genetics
Classification: Pathogenic for BRCA2-related disorders. Last evaluated: 2024-04-24. Review status: criteria provided, single submitter. Criteria: ACMG Guidelines, 2015. Collection method: clinical testing. Allele origin: germline. Affected: yes. Observed: 3 variant alleles. Not counted in ClinVar's aggregate classification.

Mayo Clinic Laboratories, Mayo Clinic
Classification: Pathogenic. Last evaluated: 2024-03-19. Review status: criteria provided, single submitter. Criteria: ACMG Guidelines, 2015. Collection method: clinical testing. Allele origin: germline. Observed: 2 variant alleles. Not counted in ClinVar's aggregate classification.
Comment: PP4_very_strong, PM5_strong, PVS1

Labcorp Genetics (formerly Invitae), Labcorp
Classification: Pathogenic for Hereditary breast ovarian cancer syndrome. Last evaluated: 2023-12-05. Review status: criteria provided, single submitter. Criteria: Invitae Variant Classification Sherloc (09022015). Collection method: clinical testing. Allele origin: germline. Not counted in ClinVar's aggregate classification.
Comment: This sequence change creates a premature translational stop signal (p.Ile2588Phefs*60) in the BRCA2 gene. It is expected to result in an absent or disrupted protein product. Loss-of-function variants in BRCA2 are known to be pathogenic (PMID: 20104584). This variant is not present in population databases (gnomAD no frequency). This premature translational stop signal has been observed in individual(s) with breast, ovarian or pancreatic cancer (PMID: 12960223, 15131399, 20104584, 30274973). This variant is also known as 7990delATAinsTT and 7990del3ins2. ClinVar contains an entry for this variant (Variation ID: 233493). For these reasons, this variant has been classified as Pathogenic.